The following is an entry in ClinVar:

NM_001376.5(DYNC1H1):c.5501A>G (p.Lys1834Arg)

Gene: DYNC1H1 (dynein cytoplasmic 1 heavy chain 1; plus strand). Cytogenetic location: 14q32.31.
Variant type: single nucleotide variant.
Coding change: c.5501A>G on transcript NM_001376.5 (MANE Select); coding-DNA position 5501, A replaced by G.
Protein change: p.Lys1834Arg; replaces lysine 1834 with arginine.
Molecular consequence: missense variant.
Genome position (GRCh38, 1-based): chr14:102,005,955, A>G. VCF-style: chr14-102005955-A-G. GRCh37 (hg19) VCF-style: chr14-102472292-A-G.
Other names: short protein forms K1834R.
Identifiers: ClinVar variation 4870157 (VCV004870157.1).

ClinVar aggregate classification (germline): Uncertain significance (1 of 4 stars; one submission).

Conditions:
Inborn genetic diseases. Identifiers: MedGen C0950123, MeSH D030342.

gnomAD v4.1: 1 of 1,614,130 alleles (0.000062%); highest among the groups gnomAD compares: Non-Finnish European, 0.000085%; no homozygotes.

Submission:

Ambry Genetics
Classification: Uncertain significance for Inborn genetic diseases. Last evaluated: 2026-05-18. Review status: criteria provided, single submitter. Criteria: Ambry Variant Classification Scheme 2023. Collection method: clinical testing. Allele origin: germline.
Comment: The c.5501A>G (p.K1834R) alteration is located in exon 27 (coding exon 27) of the DYNC1H1 gene. This alteration results from a A to G substitution at nucleotide position 5501, causing the lysine (K) at amino acid position 1834 to be replaced by an arginine (R). Based on data from gnomAD, the G allele has an overall frequency of 0.001% (2/282892) total alleles studied. The highest observed frequency was 0.005% (1/19952) of East Asian alleles. Based on insufficient or conflicting evidence, the clinical significance of this alteration remains unclear.